The following is an entry in ClinVar:

ClinVar aggregate classification (germline): Uncertain significance (1 of 4 stars; one submission).

Conditions:
Idiopathic generalized epilepsy. Also called: Generalised epilepsy; EIG. Identifiers: MedGen C0270850, MONDO:0005579, OMIM 600669.

Allele frequency attached by ClinVar (database versions not stated): gnomAD exomes below 0.00001.
gnomAD v4.1: 2 of 1,614,038 alleles (0.00012%); highest among the groups gnomAD compares: South Asian, 0.0022%; no homozygotes.

Submission:

Labcorp Genetics (formerly Invitae), Labcorp
Classification: Uncertain significance for Idiopathic generalized epilepsy. Last evaluated: 2023-05-25. Review status: criteria provided, single submitter. Criteria: Invitae Variant Classification Sherloc (09022015). Collection method: clinical testing. Allele origin: germline.
Comment: This variant has not been reported in the literature in individuals affected with RBFOX1-related conditions. This variant is present in population databases (no rsID available, gnomAD 0.003%). This sequence change replaces threonine, which is neutral and polar, with proline, which is neutral and non-polar, at codon 62 of the RBFOX1 protein (p.Thr62Pro). Advanced modeling of protein sequence and biophysical properties (such as structural, functional, and spatial information, amino acid conservation, physicochemical variation, residue mobility, and thermodynamic stability) performed at Invitae indicates that this missense variant is not expected to disrupt RBFOX1 protein function. In summary, the available evidence is currently insufficient to determine the role of this variant in disease. Therefore, it has been classified as a Variant of Uncertain Significance.

NM_018723.4(RBFOX1):c.124A>C (p.Thr42Pro)

Gene: RBFOX1 (RNA binding fox-1 homolog 1; plus strand). Cytogenetic location: 16p13.3.
Variant type: single nucleotide variant.
Coding change: c.124A>C on transcript NM_018723.4 (MANE Select); coding-DNA position 124, A replaced by C.
Protein change: p.Thr42Pro; replaces threonine 42 with proline.
Molecular consequence: missense variant.
Genome position (GRCh38, 1-based): chr16:7,518,243, A>C. VCF-style: chr16-7518243-A-C. GRCh37 (hg19) VCF-style: chr16-7568245-A-C.
Other names: c.232A>C, p.Thr78Pro (NM_001415909.1, NM_001415910.1, NM_001415912.1 and 5 more transcripts); c.130A>C, p.Thr44Pro (NM_001415911.1, NM_001415917.1, NM_001415902.1); c.199A>C, p.Thr67Pro (NM_001415913.1, NM_001415890.1, NM_001415893.1 and 4 more transcripts); c.253A>C, p.Thr85Pro (NM_001415914.1, NM_001308117.1, NM_001411047.1 and 5 more transcripts); c.184A>C, p.Thr62Pro (NM_001415915.1, NM_145891.3, NM_145892.3 and 4 more transcripts); c.124A>C, p.Thr42Pro (NM_001415916.1, NM_001142333.2, NM_001142334.2 and 1 more transcripts); c.721A>C, p.Thr241Pro (NM_001415887.1, NM_001415888.1); short protein forms T241P, T67P, T44P, T62P, T78P, T85P, T42P.
Identifiers: ClinVar variation 2717631 (VCV002717631.3), dbSNP rs1370492285, ClinGen allele CA394796490.